The following is an entry in ClinVar:

ClinVar aggregate classification (germline): Conflicting classifications of pathogenicity. Review status: criteria provided, conflicting classifications (1 of 4 stars). 5 submissions from 5 submitters: Uncertain significance (4); Likely benign (1). Last evaluated 2025-11-03.

Conditions:
Kury-Isidor syndrome (KURIS). Identifiers: MedGen C5676925, MONDO:0859230, OMIM 619762.
Hereditary cancer-predisposing syndrome. Also called: Neoplastic Syndromes, Hereditary; Tumor predisposition; Hereditary neoplastic syndrome; Hereditary Cancer Syndrome. Identifiers: Orphanet 140162, MedGen C0027672, MeSH D009386, MONDO:0015356.
BAP1-related tumor predisposition syndrome (TPDS1). Also called: Tumor susceptibility linked to germline BAP1 mutations; BAP1 tumor predisposition syndrome; TUMOR PREDISPOSITION SYNDROME 1; COMMON Syndrome. Identifiers: Orphanet 289539, MedGen C3280492, MONDO:0013692, OMIM 614327.

Allele frequency attached by ClinVar (database versions not stated): gnomAD exomes below 0.00001; TOPMed below 0.00001; ExAC 0.00001; gnomAD 0.00001.
gnomAD v4.1: 5 of 1,614,024 alleles (0.00031%); highest among the groups gnomAD compares: South Asian, 0.0044%; no homozygotes.

Submissions (5):

Labcorp Genetics (formerly Invitae), Labcorp
Classification: Uncertain significance for BAP1-related tumor predisposition syndrome. Last evaluated: 2025-11-03. Review status: criteria provided, single submitter. Criteria: Invitae Variant Classification Sherloc (09022015). Collection method: clinical testing. Allele origin: germline.
Comment: This sequence change replaces lysine, which is basic and polar, with arginine, which is basic and polar, at codon 25 of the BAP1 protein (p.Lys25Arg). This variant is present in population databases (rs759337168, gnomAD 0.003%). This variant has not been reported in the literature in individuals affected with BAP1-related conditions. ClinVar contains an entry for this variant (Variation ID: 346126). Invitae Evidence Modeling of protein sequence and biophysical properties (such as structural, functional, and spatial information, amino acid conservation, physicochemical variation, residue mobility, and thermodynamic stability) indicates that this missense variant is not expected to disrupt BAP1 protein function with a negative predictive value of 80%. In summary, the available evidence is currently insufficient to determine the role of this variant in disease. Therefore, it has been classified as a Variant of Uncertain Significance.

Ambry Genetics
Classification: Likely benign for Hereditary cancer-predisposing syndrome. Last evaluated: 2025-01-07. Review status: criteria provided, single submitter. Criteria: Ambry Variant Classification Scheme 2023. Collection method: clinical testing. Allele origin: germline.

Color Diagnostics, LLC DBA Color Health
Classification: Uncertain significance for Hereditary cancer-predisposing syndrome. Last evaluated: 2024-03-06. Review status: criteria provided, single submitter. Criteria: ACMG Guidelines, 2015. Collection method: clinical testing. Allele origin: germline.
Comment: This missense variant replaces lysine with arginine at codon 25 of the BAP1 protein. Computational prediction suggests that this variant may not impact protein structure and function (internally defined REVEL score threshold <= 0.5, PMID: 27666373). To our knowledge, functional studies have not been reported for this variant. This variant has not been reported in individuals affected with hereditary cancer in the literature. This variant has been identified in 1/251496 chromosomes in the general population by the Genome Aggregation Database (gnomAD). The available evidence is insufficient to determine the role of this variant in disease conclusively. Therefore, this variant is classified as a Variant of Uncertain Significance.

New York Genome Center
Classification: Uncertain significance for Kury-Isidor syndrome. Last evaluated: 2023-05-30. Review status: criteria provided, single submitter. Criteria: NYGC Assertion Criteria 2020. Collection method: clinical testing. Allele origin: germline. Observed: 1 heterozygote.

Sema4
Classification: Uncertain significance for Hereditary cancer-predisposing syndrome. Last evaluated: 2021-12-17. Review status: criteria provided, single submitter. Criteria: Sema4 Curation Guidelines. Collection method: curation. Allele origin: germline.
Comment: The BAP1 c.74A>G (p.K25R) variant has not been reported in the literature to our knowledge. It was observed in 1/30616 chromosomes of the South Asian subpopulation in the large and broad cohorts of the Genome Aggregation Database (PMID: 32461654). The variant has been reported in ClinVar (Variation ID 346126). Functional studies have not been performed, and in silico predictions of the variant's effect on protein function are inconclusive. The evidence is insufficient to meet ACMG/AMP criteria for classifying the variant as benign or pathogenic. Thus, the clinical significance of this variant is currently uncertain.

Literature cited by the submitters: PubMed 38969833 (cited by Ambry Genetics).

NM_004656.4(BAP1):c.74A>G (p.Lys25Arg)

Gene: BAP1 (BRCA1 associated deubiquitinase 1; minus strand). Cytogenetic location: 3p21.1.
Variant type: single nucleotide variant.
Coding change: c.74A>G on transcript NM_004656.4 (MANE Select); coding-DNA position 74, A replaced by G.
Protein change: p.Lys25Arg; replaces lysine 25 with arginine.
Molecular consequence: missense variant.
Genome position (GRCh38, 1-based): chr3:52,409,602, T>C on the plus strand (A>G on the coding strand, the complement: BAP1 is on the minus strand). VCF-style: chr3-52409602-T-C. GRCh37 (hg19) VCF-style: chr3-52443618-T-C.
Other names: short protein forms K25R.
Identifiers: ClinVar variation 346126 (VCV000346126.19), dbSNP rs759337168, ClinGen allele CA2437192.
Genomic context (GRCh38, chr3:52,409,602, plus strand): 5'-ACAGCCACTCACCCCTGACATTTGCTCTGAAGGTCGTAGATCTCCTCCACTTGCACCCCC[T>C]TGACACCTGCGATGAGGAAAGGAAAGCAGTAGGGAAGGACAGCCCCTGATGAGTGAGGGC-3'
Protein context (NP_004647.1, residues 15-35): FTLLVEDFGV[Lys25Arg]GVQVEEIYDL